The following is an entry in ClinVar:

NM_007078.3(LDB3):c.1935C>G (p.Asn645Lys)

Gene: LDB3 (LIM domain binding 3; plus strand). Cytogenetic location: 10q23.2.
Variant type: single nucleotide variant.
Coding change: c.1935C>G on transcript NM_007078.3 (MANE Select); coding-DNA position 1935, C replaced by G.
Protein change: p.Asn645Lys; replaces asparagine 645 with lysine.
Molecular consequence: missense variant.
Genome position (GRCh38, 1-based): chr10:86,718,804, C>G. VCF-style: chr10-86718804-C-G. GRCh37 (hg19) VCF-style: chr10-88478561-C-G.
Other names: c.1605C>G, p.Asn535Lys (NM_001080114.2); c.1950C>G, p.Asn650Lys (NM_001171610.2); c.1746C>G, p.Asn582Lys (NM_001368064.1, NM_001368065.1); c.1794C>G, p.Asn598Lys (NM_001368066.1); c.1935C>G (NM_007078.2); short protein forms N598K, N645K, N535K, N582K, N650K.
Identifiers: ClinVar variation 1430345 (VCV001430345.7), dbSNP rs1846970016, ClinGen allele CA377454085.

ClinVar aggregate classification (germline): Uncertain significance. Review status: criteria provided, multiple submitters, no conflicts (2 of 4 stars). 2 submissions from 2 submitters: Uncertain significance (2). Last evaluated 2021-10-12.

Conditions:
Myofibrillar myopathy 4. Also called: Zaspopathy (type). Identifiers: Orphanet 98912, MedGen C4721886, MONDO:0012277, OMIM 609452.
Cardiovascular phenotype. Identifiers: MedGen CN230736.

Allele frequency attached by ClinVar (database versions not stated): gnomAD exomes below 0.00001.
gnomAD v4.1: 1 of 1,614,194 alleles (0.000062%); highest among the groups gnomAD compares: African/African-American, 0.0013%; no homozygotes.

Submissions (2):

Ambry Genetics
Classification: Uncertain significance for Cardiovascular phenotype. Last evaluated: 2021-10-12. Review status: criteria provided, single submitter. Criteria: Ambry Variant Classification Scheme 2023. Collection method: clinical testing. Allele origin: germline.

Labcorp Genetics (formerly Invitae), Labcorp
Classification: Uncertain significance for Myofibrillar myopathy 4. Last evaluated: 2021-04-04. Review status: criteria provided, single submitter. Criteria: Invitae Variant Classification Sherloc (09022015). Collection method: clinical testing. Allele origin: germline.
Comment: This sequence change replaces asparagine with lysine at codon 645 of the LDB3 protein (p.Asn645Lys). The LDB3 gene has multiple clinically relevant transcripts. This variant occurs in alternate transcript NM_007078.3, and corresponds to NM_001080116.1:c.*19430C>G in the primary transcript. This variant is not present in population databases (ExAC no frequency). This variant has not been reported in the literature in individuals with LDB3-related conditions. Experimental studies and prediction algorithms are not available or were not evaluated, and the functional significance of this variant is currently unknown. In summary, the available evidence is currently insufficient to determine the role of this variant in disease. Therefore, it has been classified as a Variant of Uncertain Significance.